The following is an entry in ClinVar:

NM_000836.4(GRIN2D):c.207G>A (p.Leu69=)

Gene: GRIN2D (glutamate ionotropic receptor NMDA type subunit 2D; plus strand). Cytogenetic location: 19q13.33.
Variant type: single nucleotide variant.
Coding change: c.207G>A on transcript NM_000836.4 (MANE Select); coding-DNA position 207, G replaced by A.
Protein change: p.Leu69=; no amino-acid change (leucine 69 retained).
Molecular consequence: synonymous variant.
Genome position (GRCh38, 1-based): chr19:48,398,599, G>A. VCF-style: chr19-48398599-G-A. GRCh37 (hg19) VCF-style: chr19-48901856-G-A.
Identifiers: ClinVar variation 3036553 (VCV003036553.2), dbSNP rs1317407702, ClinGen allele CA508037544.
Genomic context (GRCh38, chr19:48,398,599, plus strand): 5'-GCCGCTCAACGTGGCGCTCGTGTTCTCGGGGCCCGCGTACGCGGCCGAGGCGGCACGCCT[G>A]GGCCCGGCCGTGGCGGCGGCGGTGCGCAGCCCGGGCCTAGACGTGCGGCCCGTGGCGCTG-3'
Protein context (NP_000827.2, residues 59-79): GPAYAAEAAR[Leu69=]GPAVAAAVRS

ClinVar aggregate classification (germline): Likely benign (0 of 4 stars; one submission).

Conditions:
GRIN2D-related disorder. Also called: GRIN2D-related condition.

Allele frequency attached by ClinVar (database versions not stated): TOPMed 0.00001.

Submission:

PreventionGenetics, part of Exact Sciences
Classification: Likely benign for GRIN2D-related condition. Last evaluated: 2024-05-02. Review status: no assertion criteria provided. Collection method: clinical testing. Allele origin: germline.
Comment: This variant is classified as likely benign based on ACMG/AMP sequence variant interpretation guidelines (Richards et al. 2015 PMID: 25741868, with internal and published modifications).